The following is an entry in ClinVar:

ClinVar aggregate classification (germline): Pathogenic (1 of 4 stars; one submission).

Submission:

Labcorp Genetics (formerly Invitae), Labcorp
Classification: Pathogenic. Last evaluated: 2024-04-17. Review status: criteria provided, single submitter. Criteria: Invitae Variant Classification Sherloc (09022015). Collection method: clinical testing. Allele origin: germline.
Comment: This sequence change creates a premature translational stop signal (p.Tyr620*) in the ZBTB20 gene. While this is not anticipated to result in nonsense mediated decay, it is expected to disrupt the last 122 amino acid(s) of the ZBTB20 protein. This variant is not present in population databases (gnomAD no frequency). This variant has not been reported in the literature in individuals affected with ZBTB20-related conditions. ClinVar contains an entry for this variant (Variation ID: 2024704). This variant disrupts a region of the ZBTB20 protein in which other variant(s) (p.Thr627Ala) have been determined to be pathogenic (PMID: 30637921, 32473227). This suggests that this is a clinically significant region of the protein, and that variants that disrupt it are likely to be disease-causing. For these reasons, this variant has been classified as Pathogenic.

Literature cited by the submitters: PubMed 30637921; PubMed 32473227.

NM_001348800.3(ZBTB20):c.1860C>G (p.Tyr620Ter)

Gene: ZBTB20 (zinc finger and BTB domain containing 20; minus strand). Cytogenetic location: 3q13.31.
Variant type: single nucleotide variant.
Coding change: c.1860C>G on transcript NM_001348800.3 (MANE Select); coding-DNA position 1860, C replaced by G.
Protein change: p.Tyr620Ter; replaces tyrosine 620 with a stop codon.
Molecular consequence: nonsense. On other transcripts: non-coding transcript variant (1).
Genome position (GRCh38, 1-based): chr3:114,339,371, G>C on the plus strand (C>G on the coding strand, the complement: ZBTB20 is on the minus strand). VCF-style: chr3-114339371-G-C. GRCh37 (hg19) VCF-style: chr3-114058218-G-C.
Other names: c.1860C>G, p.Tyr620Ter (NM_001164342.2, NM_001348803.3, NM_001393393.1 and 1 more transcripts); c.1641C>G, p.Tyr547Ter (NM_001164343.2, NM_001164344.4, NM_001164345.4 and 9 more transcripts); short protein forms Y547*, Y620*.
Identifiers: ClinVar variation 2024704 (VCV002024704.4), dbSNP rs755098861, ClinGen allele CA354001465.